The following is an entry in ClinVar:

ClinVar aggregate classification (germline): Uncertain significance (1 of 4 stars; one submission).

Conditions:
Combined immunodeficiency due to OX40 deficiency. Also called: OX40 DEFICIENCY; Immunodeficiency 16. Identifiers: Orphanet 431149, MedGen C3810053, MONDO:0014268, OMIM 615593.

Allele frequency attached by ClinVar (database versions not stated): TOPMed 0.00002; 1000 Genomes Project 0.00020; gnomAD 0.00001; gnomAD exomes 0.00003; ExAC 0.00010; 1000 Genomes Project 30x 0.00016.
gnomAD v4.1: 10 of 1,583,512 alleles (0.00063%); highest among the groups gnomAD compares: Admixed American, 0.0052%; no homozygotes.

Submission:

Labcorp Genetics (formerly Invitae), Labcorp
Classification: Uncertain significance for Combined immunodeficiency due to OX40 deficiency. Last evaluated: 2024-02-22. Review status: criteria provided, single submitter. Criteria: Invitae Variant Classification Sherloc (09022015). Collection method: clinical testing. Allele origin: germline.
Comment: This sequence change replaces arginine, which is basic and polar, with glutamine, which is neutral and polar, at codon 7 of the TNFRSF4 protein (p.Arg7Gln). This variant is present in population databases (rs555329852, gnomAD 0.01%). This variant has not been reported in the literature in individuals affected with TNFRSF4-related conditions. ClinVar contains an entry for this variant (Variation ID: 859395). Algorithms developed to predict the effect of missense changes on protein structure and function output the following: SIFT: "Not Available"; PolyPhen-2: "Not Available"; Align-GVGD: "Not Available". The glutamine amino acid residue is found in multiple mammalian species, which suggests that this missense change does not adversely affect protein function. In summary, the available evidence is currently insufficient to determine the role of this variant in disease. Therefore, it has been classified as a Variant of Uncertain Significance.

NM_003327.4(TNFRSF4):c.20G>A (p.Arg7Gln)

Gene: TNFRSF4 (TNF receptor superfamily member 4; minus strand). Cytogenetic location: 1p36.33.
Variant type: single nucleotide variant.
Coding change: c.20G>A on transcript NM_003327.4 (MANE Select); coding-DNA position 20, G replaced by A.
Protein change: p.Arg7Gln; replaces arginine 7 with glutamine.
Molecular consequence: missense variant.
Genome position (GRCh38, 1-based): chr1:1,214,108, C>T on the plus strand (G>A on the coding strand, the complement: TNFRSF4 is on the minus strand). VCF-style: chr1-1214108-C-T. GRCh37 (hg19) VCF-style: chr1-1149488-C-T.
Other names: short protein forms R7Q.
Identifiers: ClinVar variation 859395 (VCV000859395.8), dbSNP rs555329852, ClinGen allele CA512710.
Genomic context (GRCh38, chr1:1,214,108, plus strand): 5'-GTCACGGTGCTCAGCCCCAGGCCCAGGAGGAGCAGAGCCGCACACGGCCCGCGGCCCAGC[C>T]GCCGAGCCCCCACGCACATCCTCGTCTCTGCTGTCGCCAGAGTCTGGGTTTTCCTTGCGG-3'
Protein context (NP_003318.1, residues 1-17): MCVGAR[Arg7Gln]LGRGPCAALL